The following is an entry in ClinVar:

ClinVar aggregate classification (germline): Uncertain significance. Review status: criteria provided, multiple submitters, no conflicts (2 of 4 stars). 2 submissions from 2 submitters: Uncertain significance (2). Last evaluated 2025-01-25.

Conditions:
Pulmonary hypertension, primary, 1 (PPH1). Also called: Pulmonary hypertension, familial primary, 1, with or without HHT. Identifiers: Orphanet 422, MedGen C4552070, MONDO:0024533, OMIM 178600.
Pulmonary venoocclusive disease 1 (PVOD1). Also called: Pulmonary venoocclusive disease 1, autosomal dominant. Identifiers: Orphanet 31837, MedGen C3887658, MONDO:0020713, OMIM 265450.
Inborn genetic diseases. Identifiers: MedGen C0950123, MeSH D030342.

gnomAD v4.1: 1 of 1,613,958 alleles (0.000062%); highest among the groups gnomAD compares: Non-Finnish European, 0.000085%; no homozygotes.

Submissions (2):

Ambry Genetics
Classification: Uncertain significance for Inborn genetic diseases. Last evaluated: 2025-01-25. Review status: criteria provided, single submitter. Criteria: Ambry Variant Classification Scheme 2023. Collection method: clinical testing. Allele origin: germline.
Comment: The p.T1026I variant (also known as c.3077C>T), located in coding exon 13 of the BMPR2 gene, results from a C to T substitution at nucleotide position 3077. The threonine at codon 1026 is replaced by isoleucine, an amino acid with similar properties. This amino acid position is conserved. In addition, this alteration is predicted to be deleterious by in silico analysis. Based on the available evidence, the clinical significance of this variant remains unclear.

Fulgent Genetics
Classification: Uncertain significance for Pulmonary hypertension, primary, 1; Pulmonary venoocclusive disease 1. Last evaluated: 2024-01-20. Review status: criteria provided, single submitter. Criteria: ACMG Guidelines, 2015. Collection method: clinical testing. Allele origin: germline.

NM_001204.7(BMPR2):c.3077C>T (p.Thr1026Ile)

Gene: BMPR2 (bone morphogenetic protein receptor type 2; plus strand). Cytogenetic location: 2q33.2.
Variant type: single nucleotide variant.
Coding change: c.3077C>T on transcript NM_001204.7 (MANE Select); coding-DNA position 3077, C replaced by T.
Protein change: p.Thr1026Ile; replaces threonine 1026 with isoleucine.
Molecular consequence: missense variant.
Genome position (GRCh38, 1-based): chr2:202,559,906, C>T. VCF-style: chr2-202559906-C-T. GRCh37 (hg19) VCF-style: chr2-203424629-C-T.
Other names: short protein forms T1026I.
Identifiers: ClinVar variation 3585313 (VCV003585313.2).